The following is an entry in ClinVar:

NM_001365951.3(KIF1B):c.3709A>G (p.Thr1237Ala)

Gene: KIF1B (kinesin family member 1B; plus strand). Cytogenetic location: 1p36.22.
Variant type: single nucleotide variant.
Coding change: c.3709A>G on transcript NM_001365951.3 (MANE Select); coding-DNA position 3709, A replaced by G.
Protein change: p.Thr1237Ala; replaces threonine 1237 with alanine.
Molecular consequence: missense variant.
Genome position (GRCh38, 1-based): chr1:10,345,865, A>G. VCF-style: chr1-10345865-A-G. GRCh37 (hg19) VCF-style: chr1-10405923-A-G.
Other names: c.3709A>G, p.Thr1237Ala (NM_001365952.1); c.3571A>G, p.Thr1191Ala (NM_015074.3); short protein forms T1237A, T1191A.
Identifiers: ClinVar variation 1732801 (VCV001732801.2), dbSNP rs2521776791, ClinGen allele CA338342300.
Genomic context (GRCh38, chr1:10,345,865, plus strand): 5'-CTTGGACCAGATTTTGACATACTCTAAAAACTTTTAAAAGTTCCAGCCACCAAGTTAAAC[A>G]CGATGAGCAAAACCAGCCTTGGCCAGAGCATGAGCAAGTATGACCTCCTGGTTTGGTTTG-3'
Protein context (NP_001352880.1, residues 1227-1247): SKPVPATKLN[Thr1237Ala]MSKTSLGQSM

ClinVar aggregate classification (germline): Uncertain significance (1 of 4 stars; one submission).

Submission:

Ambry Genetics
Classification: Uncertain significance. Last evaluated: 2022-07-01. Review status: criteria provided, single submitter. Criteria: Ambry Variant Classification Scheme 2023. Collection method: clinical testing. Allele origin: germline.
Comment: The p.T1191A variant (also known as c.3571A>G), located in coding exon 32 of the KIF1B gene, results from an A to G substitution at nucleotide position 3571. The threonine at codon 1191 is replaced by alanine, an amino acid with similar properties. This amino acid position is conserved. In addition, this alteration is predicted to be tolerated by in silico analysis. Since supporting evidence is limited at this time, the clinical significance of this alteration remains unclear.